The following is an entry in ClinVar:

NM_000191.3(HMGCL):c.411G>T (p.Lys137Asn)

Gene: HMGCL (3-hydroxy-3-methylglutaryl-CoA lyase; minus strand). Cytogenetic location: 1p36.11.
Variant type: single nucleotide variant.
Coding change: c.411G>T on transcript NM_000191.3 (MANE Select); coding-DNA position 411, G replaced by T.
Protein change: p.Lys137Asn; replaces lysine 137 with asparagine.
Molecular consequence: missense variant. On other transcripts: intron variant (1).
Genome position (GRCh38, 1-based): chr1:23,814,276, C>A on the plus strand (G>T on the coding strand, the complement: HMGCL is on the minus strand). VCF-style: chr1-23814276-C-A. GRCh37 (hg19) VCF-style: chr1-24140766-C-A.
Other names: c.348+2399G>T (NM_001166059.2); short protein forms K137N.
Identifiers: ClinVar variation 3383757 (VCV003383757.1).

ClinVar aggregate classification (germline): Uncertain significance (1 of 4 stars; one submission).

gnomAD v4.1: 2 of 1,613,890 alleles (0.00012%); highest among the groups gnomAD compares: African/African-American, 0.0013%; no homozygotes.

Submission:

GeneDx
Classification: Uncertain significance. Last evaluated: 2024-05-30. Review status: criteria provided, single submitter. Criteria: GeneDx Variant Classification Process June 2021. Collection method: clinical testing. Allele origin: germline. Affected: yes.
Comment: Not observed at significant frequency in large population cohorts (gnomAD); In silico analysis supports that this missense variant has a deleterious effect on protein structure/function; Has not been previously published as pathogenic or benign to our knowledge